The following is an entry in ClinVar:

ClinVar aggregate classification (germline): Pathogenic (1 of 4 stars; one submission).

Conditions:
Hereditary breast ovarian cancer syndrome. Also called: Hereditary breast and/or ovarian cancer syndrome; BRCA1- and BRCA2-Associated Hereditary Breast and Ovarian Cancer; Hereditary breast and ovarian cancer syndrome; Hereditary breast and ovarian cancer; Hereditary breast and ovarian cancer syndrome (HBOC); Breast and ovarian cancer. Identifiers: Orphanet 145, MedGen C0677776, MeSH D061325, MONDO:0003582. Disease mechanism: loss of function.

Submission:

Labcorp Genetics (formerly Invitae), Labcorp
Classification: Pathogenic for Hereditary breast ovarian cancer syndrome. Last evaluated: 2021-03-29. Review status: criteria provided, single submitter. Criteria: Invitae Variant Classification Sherloc (09022015). Collection method: clinical testing. Allele origin: germline.
Comment: For these reasons, this variant has been classified as Pathogenic. This variant has not been reported in the literature in individuals with BRCA1-related conditions. This variant is not present in population databases (ExAC no frequency). This sequence change creates a premature translational stop signal (p.Asn569Thrfs*3) in the BRCA1 gene. It is expected to result in an absent or disrupted protein product. Loss-of-function variants in BRCA1 are known to be pathogenic (PMID: 20104584).

Literature cited by the submitters: PubMed 20104584.

NM_007294.4(BRCA1):c.1706del (p.Asn569fs)

Gene: BRCA1 (BRCA1 DNA repair associated; minus strand). Cytogenetic location: 17q21.31.
Variant type: Deletion.
Coding change: c.1706del on transcript NM_007294.4 (MANE Select); coding-DNA position 1706, one base deleted (A; older notation c.1706delA).
Protein change: p.Asn569fs; shifts the reading frame from asparagine 569.
Molecular consequence: frameshift variant. On other transcripts: intron variant (137).
Genome position (GRCh38, 1-based): chr17:43,093,825, T deleted on the plus strand (A on the coding strand, the reverse complement: BRCA1 is on the minus strand); the first of 2 consecutive T bases (chr17:43,093,825-43,093,826); deleting either gives the same sequence. VCF-style (leftmost placement, unchanged base first): chr17-43093824-GT-G. GRCh37 (hg19) VCF-style: chr17-41245841-GT-G.
Other names: c.1373del, p.Asn458fs (NM_001407947.1, NM_001407948.1, NM_001407949.1 and 6 more transcripts); c.1370del, p.Asn457fs (NM_001407954.1, NM_001407955.1, NM_001407956.1 and 1 more transcripts); c.1325del, p.Asn442fs (NM_001407959.1, NM_001407960.1, NM_001407963.1); c.1322del, p.Asn441fs (NM_001407962.1); c.1562del, p.Asn521fs (NM_001407964.1, NM_001407740.1, NM_001407741.1 and 20 more transcripts); c.1202del, p.Asn401fs (NM_001407965.1); c.818del, p.Asn273fs (NM_001407966.1, NM_001407967.1); c.643+919del (NM_001408464.1, NM_001408470.1, NM_001408468.1 and 3 more transcripts); and 40 more; short protein forms N569fs, N522fs, N441fs, N458fs, N502fs, N528fs, N566fs, N401fs.
Identifiers: ClinVar variation 1423876 (VCV001423876.9), dbSNP rs2154428923, ClinGen allele CA2573154079.